The following is an entry in ClinVar:

NM_000179.3(MSH6):c.3352G>A (p.Glu1118Lys)

Gene: MSH6 (mutS homolog 6; plus strand). Cytogenetic location: 2p16.3.
Variant type: single nucleotide variant.
Coding change: c.3352G>A on transcript NM_000179.3 (MANE Select); coding-DNA position 3352, G replaced by A.
Protein change: p.Glu1118Lys; replaces glutamic acid 1118 with lysine.
Molecular consequence: missense variant.
Genome position (GRCh38, 1-based): chr2:47,803,599, G>A. VCF-style: chr2-47803599-G-A. GRCh37 (hg19) VCF-style: chr2-48030738-G-A.
Other names: c.2962G>A, p.Glu988Lys (NM_001281492.2); c.2446G>A, p.Glu816Lys (NM_001281493.2, NM_001281494.2); short protein forms E1118K, E816K, E988K.
Identifiers: ClinVar variation 525746 (VCV000525746.12), dbSNP rs760530339, ClinGen allele CA070708.
Genomic context (GRCh38, chr2:47,803,599, plus strand): 5'-TGCATTACGAAGACTTTTTTTGGAGATGATTTTATTCCTAATGACATTCTAATAGGCTGT[G>A]AGGAAGAGGAGCAGGAAAATGGCAAAGCCTATTGTGTGCTTGTTACTGGACCAAATATGG-3'
Protein context (NP_000170.1, residues 1108-1128): FIPNDILIGC[Glu1118Lys]EEEQENGKAY

ClinVar aggregate classification (germline): Conflicting classifications of pathogenicity. Review status: criteria provided, conflicting classifications (1 of 4 stars). 2 submissions from 2 submitters: Uncertain significance (1); Likely benign (1). Last evaluated 2025-04-10.

Conditions:
Hereditary nonpolyposis colorectal neoplasms. Identifiers: MedGen C0009405, MeSH D003123.
Hereditary cancer-predisposing syndrome. Also called: Neoplastic Syndromes, Hereditary; Tumor predisposition; Hereditary Cancer Syndrome; Hereditary neoplastic syndrome. Identifiers: Orphanet 140162, MedGen C0027672, MeSH D009386, MONDO:0015356.

Allele frequency attached by ClinVar (database versions not stated): gnomAD exomes below 0.00001; gnomAD 0.00001; ExAC 0.00002.
gnomAD v4.1: 5 of 1,614,094 alleles (0.00031%); highest among the groups gnomAD compares: Non-Finnish European, 0.00017%; no homozygotes.

Submissions (2):

Labcorp Genetics (formerly Invitae), Labcorp
Classification: Likely benign for Hereditary nonpolyposis colorectal neoplasms. Last evaluated: 2025-04-10. Review status: criteria provided, single submitter. Criteria: Invitae Variant Classification Sherloc (09022015). Collection method: clinical testing. Allele origin: germline.

Ambry Genetics
Classification: Uncertain significance for Hereditary cancer-predisposing syndrome. Last evaluated: 2022-11-14. Review status: criteria provided, single submitter. Criteria: Ambry Variant Classification Scheme 2023. Collection method: clinical testing. Allele origin: germline.
Comment: The p.E1118K variant (also known as c.3352G>A), located in coding exon 5 of the MSH6 gene, results from a G to A substitution at nucleotide position 3352. The glutamic acid at codon 1118 is replaced by lysine, an amino acid with similar properties. This amino acid position is not well conserved in available vertebrate species. In addition, the in silico prediction for this alteration is inconclusive. Since supporting evidence is limited at this time, the clinical significance of this alteration remains unclear.